The following is an entry in ClinVar:

NM_024407.5(NDUFS7):c.*17G>A

Gene: NDUFS7 (NADH:ubiquinone oxidoreductase core subunit S7; plus strand). Cytogenetic location: 19p13.3.
Variant type: single nucleotide variant.
Coding change: c.*17G>A on transcript NM_024407.5 (MANE Select); 17 bases downstream of the stop codon, G replaced by A.
Molecular consequence: 3 prime UTR variant.
Genome position (GRCh38, 1-based): chr19:1,395,505, G>A. VCF-style: chr19-1395505-G-A. GRCh37 (hg19) VCF-style: chr19-1395504-G-A.
Other names: c.*1083G>A (NM_001363602.2).
Identifiers: ClinVar variation 388272 (VCV000388272.1), dbSNP rs778935099, ClinGen allele CA9043501.

ClinVar aggregate classification (germline): Likely benign (1 of 4 stars; one submission).

Allele frequency attached by ClinVar (database versions not stated): TOPMed 0.00022; gnomAD 0.00023 and 0.00024.
gnomAD v4.1: 80 of 1,561,806 alleles (0.0051%); highest among the groups gnomAD compares: African/African-American, 0.072%; no homozygotes.

Submission:

GeneDx
Classification: Likely benign. Last evaluated: 2017-03-02. Review status: criteria provided, single submitter. Criteria: GeneDx Variant Classification (06012015). Collection method: clinical testing. Allele origin: germline. Affected: yes.
Comment: This variant is considered likely benign or benign based on one or more of the following criteria: it is a conservative change, it occurs at a poorly conserved position in the protein, it is predicted to be benign by multiple in silico algorithms, and/or has population frequency not consistent with disease.